The following is an entry in ClinVar:

NM_006420.3(ARFGEF2):c.1294A>G (p.Ile432Val)

Gene: ARFGEF2 (ARF guanine nucleotide exchange factor 2; plus strand). Cytogenetic location: 20q13.13.
Variant type: single nucleotide variant.
Coding change: c.1294A>G on transcript NM_006420.3 (MANE Select); coding-DNA position 1294, A replaced by G.
Protein change: p.Ile432Val; replaces isoleucine 432 with valine.
Molecular consequence: missense variant.
Genome position (GRCh38, 1-based): chr20:48,971,223, A>G. VCF-style: chr20-48971223-A-G. GRCh37 (hg19) VCF-style: chr20-47587760-A-G.
Other names: short protein forms I432V.
Identifiers: ClinVar variation 338686 (VCV000338686.10), dbSNP rs41296207, ClinGen allele CA9898373.

ClinVar aggregate classification (germline): Uncertain significance. Review status: criteria provided, multiple submitters, no conflicts (2 of 4 stars). 3 submissions from 3 submitters: Uncertain significance (3). Last evaluated 2023-09-12.

Conditions:
Periventricular heterotopia with microcephaly, autosomal recessive (ARPHM). Also called: Periventricular heterotopia with microcephaly; PERIVENTRICULAR NODULAR HETEROTOPIA 2. Identifiers: Orphanet 2149, MedGen C1842563, MONDO:0011966, OMIM 608097.

Allele frequency attached by ClinVar (database versions not stated): ESP Exome Variant Server 0.00008; ExAC 0.00011; TOPMed 0.00011; gnomAD exomes 0.00012; gnomAD 0.00015; 1000 Genomes Project 30x 0.00031.
gnomAD v4.1: 411 of 1,614,110 alleles (0.025%); highest among the groups gnomAD compares: Non-Finnish European, 0.033%; no homozygotes.

Submissions (3):

GeneDx
Classification: Uncertain significance. Last evaluated: 2023-09-12. Review status: criteria provided, single submitter. Criteria: GeneDx Variant Classification Process June 2021. Collection method: clinical testing. Allele origin: germline. Affected: yes.
Comment: In silico analysis supports that this missense variant does not alter protein structure/function; Has not been previously published as pathogenic or benign to our knowledge

Labcorp Genetics (formerly Invitae), Labcorp
Classification: Uncertain significance. Last evaluated: 2021-09-24. Review status: criteria provided, single submitter. Criteria: Invitae Variant Classification Sherloc (09022015). Collection method: clinical testing. Allele origin: germline.
Comment: This sequence change replaces isoleucine with valine at codon 432 of the ARFGEF2 protein (p.Ile432Val). The isoleucine residue is highly conserved and there is a small physicochemical difference between isoleucine and valine. This variant is present in population databases (rs41296207, ExAC 0.02%). This variant has not been reported in the literature in individuals with ARFGEF2-related conditions. ClinVar contains an entry for this variant (Variation ID: 338686). Algorithms developed to predict the effect of missense changes on protein structure and function (SIFT, PolyPhen-2, Align-GVGD) all suggest that this variant is likely to be tolerated, but these predictions have not been confirmed by published functional studies and their clinical significance is uncertain. Algorithms developed to predict the effect of sequence changes on RNA splicing suggest that this variant may create or strengthen a splice site, but this prediction has not been confirmed by published transcriptional studies. In summary, the available evidence is currently insufficient to determine the role of this variant in disease. Therefore, it has been classified as a Variant of Uncertain Significance.

Illumina Laboratory Services, Illumina
Classification: Uncertain significance for Periventricular heterotopia with microcephaly, autosomal recessive. Last evaluated: 2018-01-13. Review status: criteria provided, single submitter. Criteria: ICSL Variant Classification Criteria 13 December 2019. Collection method: clinical testing. Allele origin: germline.